The following is an entry in ClinVar:

NM_001005361.3(DNM2):c.1758C>T (p.Phe586=)

Gene: DNM2 (dynamin 2; plus strand). Cytogenetic location: 19p13.2.
Variant type: single nucleotide variant.
Coding change: c.1758C>T on transcript NM_001005361.3 (MANE Select); coding-DNA position 1758, C replaced by T.
Protein change: p.Phe586=; no amino-acid change (phenylalanine 586 retained).
Molecular consequence: synonymous variant.
Genome position (GRCh38, 1-based): chr19:10,820,066, C>T. VCF-style: chr19-10820066-C-T. GRCh37 (hg19) VCF-style: chr19-10930742-C-T.
Other names: c.1758C>T, p.Phe586= (NM_001005360.3, NM_001190716.2); c.1746C>T, p.Phe582= (NM_001005362.3, NM_004945.4).
Identifiers: ClinVar variation 388366 (VCV000388366.10), dbSNP rs766274376, ClinGen allele CA9201387.

ClinVar aggregate classification (germline): Likely benign. Review status: criteria provided, multiple submitters, no conflicts (2 of 4 stars). 3 submissions from 3 submitters: Likely benign (3). Last evaluated 2025-05-03.

Conditions:
Inborn genetic diseases. Identifiers: MedGen C0950123, MeSH D030342.
Charcot-Marie-Tooth disease dominant intermediate B (CMTDIB). Also called: CHARCOT-MARIE-TOOTH NEUROPATHY, DOMINANT INTERMEDIATE B; Charcot-Marie-Tooth disease dominant intermediate 1; CMT DI1; Charcot-Marie-Tooth disease dominant intermediate I. Identifiers: Orphanet 100044, Orphanet 228179, MedGen C1847902, MONDO:0011674, OMIM 606482.

Allele frequency attached by ClinVar (database versions not stated): ExAC 0.00001; gnomAD 0.00001; gnomAD exomes 0.00001 and 0.00002; TOPMed 0.00001.
gnomAD v4.1: 21 of 1,614,070 alleles (0.0013%); highest among the groups gnomAD compares: Middle Eastern, 0.033%; no homozygotes.

Submissions (3):

Labcorp Genetics (formerly Invitae), Labcorp
Classification: Likely benign for Charcot-Marie-Tooth disease dominant intermediate B. Last evaluated: 2025-05-03. Review status: criteria provided, single submitter. Criteria: Invitae Variant Classification Sherloc (09022015). Collection method: clinical testing. Allele origin: germline.

Ambry Genetics
Classification: Likely benign for Inborn genetic diseases. Last evaluated: 2019-07-11. Review status: criteria provided, single submitter. Criteria: Ambry Variant Classification Scheme 2023. Collection method: clinical testing. Allele origin: germline.

GeneDx
Classification: Likely benign. Last evaluated: 2017-11-02. Review status: criteria provided, single submitter. Criteria: GeneDx Variant Classification (06012015). Collection method: clinical testing. Allele origin: germline. Affected: yes.
Comment: This variant is considered likely benign or benign based on one or more of the following criteria: it is a conservative change, it occurs at a poorly conserved position in the protein, it is predicted to be benign by multiple in silico algorithms, and/or has population frequency not consistent with disease.